The following is an entry in ClinVar:

NM_001211.6(BUB1B):c.1652T>G (p.Val551Gly)

Gene: BUB1B (BUB1 mitotic checkpoint serine/threonine kinase B; plus strand). Cytogenetic location: 15q15.1.
Variant type: single nucleotide variant.
Coding change: c.1652T>G on transcript NM_001211.6 (MANE Select); coding-DNA position 1652, T replaced by G.
Protein change: p.Val551Gly; replaces valine 551 with glycine.
Molecular consequence: missense variant.
Genome position (GRCh38, 1-based): chr15:40,202,612, T>G. VCF-style: chr15-40202612-T-G. GRCh37 (hg19) VCF-style: chr15-40494813-T-G.
Other names: c.1652T>G (NM_001211.5); short protein forms V551G.
Identifiers: ClinVar variation 1002550 (VCV001002550.11), dbSNP rs2037587414, ClinGen allele CA391691578.

ClinVar aggregate classification (germline): Uncertain significance. Review status: criteria provided, multiple submitters, no conflicts (2 of 4 stars). 2 submissions from 2 submitters: Uncertain significance (2). Last evaluated 2025-05-11.

Conditions:
Mosaic variegated aneuploidy syndrome 1 (MVA1). Also called: Warburton-Anyane-Yeboa syndrome. Identifiers: Orphanet 1052, MedGen C1850343, MONDO:0009759, OMIM 257300.
Inborn genetic diseases. Identifiers: MedGen C0950123, MeSH D030342.

Allele frequency attached by ClinVar (database versions not stated): gnomAD exomes below 0.00001.
gnomAD v4.1: 1 of 1,613,704 alleles (0.000062%); highest among the groups gnomAD compares: Non-Finnish European, 0.000085%; no homozygotes.

Submissions (2):

Ambry Genetics
Classification: Uncertain significance for Inborn genetic diseases. Last evaluated: 2025-05-11. Review status: criteria provided, single submitter. Criteria: Ambry Variant Classification Scheme 2023. Collection method: clinical testing. Allele origin: germline.
Comment: The p.V551G variant (also known as c.1652T>G), located in coding exon 14 of the BUB1B gene, results from a T to G substitution at nucleotide position 1652. The valine at codon 551 is replaced by glycine, an amino acid with dissimilar properties. This amino acid position is conserved. In addition, this alteration is predicted to be tolerated by in silico analysis. Based on the available evidence, the clinical significance of this variant remains unclear.

Labcorp Genetics (formerly Invitae), Labcorp
Classification: Uncertain significance for Mosaic variegated aneuploidy syndrome 1. Last evaluated: 2020-10-09. Review status: criteria provided, single submitter. Criteria: Invitae Variant Classification Sherloc (09022015). Collection method: clinical testing. Allele origin: germline.
Comment: In summary, the available evidence is currently insufficient to determine the role of this variant in disease. Therefore, it has been classified as a Variant of Uncertain Significance. Algorithms developed to predict the effect of sequence changes on RNA splicing suggest that this variant may create or strengthen a splice site, but this prediction has not been confirmed by published transcriptional studies. Algorithms developed to predict the effect of missense changes on protein structure and function (SIFT, PolyPhen-2, Align-GVGD) all suggest that this variant is likely to be tolerated, but these predictions have not been confirmed by published functional studies and their clinical significance is uncertain. This variant has not been reported in the literature in individuals with BUB1B-related conditions. This variant is not present in population databases (ExAC no frequency). This sequence change replaces valine with glycine at codon 551 of the BUB1B protein (p.Val551Gly). The valine residue is weakly conserved and there is a moderate physicochemical difference between valine and glycine.